The following is an entry in ClinVar:

ClinVar aggregate classification (germline): Likely benign. Review status: criteria provided, multiple submitters, no conflicts (2 of 4 stars). 4 submissions from 4 submitters: Likely benign (4). Last evaluated 2025-10-01.

Conditions:
Cardiovascular phenotype. Identifiers: MedGen CN230736.
Familial hypobetalipoproteinemia 1. Also called: APOB-Related Familial Hypobetalipoproteinemia; Hypobetalipoproteinemia, normotriglyceridemic; Acanthocytosis with hypobetalipoproteinemia. Identifiers: MedGen C4551990, MONDO:0014252, OMIM 615558.
Hypercholesterolemia, autosomal dominant, type B (FHCL2). Also called: Hyperlipoproteinemia Type IIb; APOLIPOPROTEIN B-100, FAMILIAL DEFECTIVE; APOLIPOPROTEIN B-100, FAMILIAL LIGAND-DEFECTIVE; HYPERCHOLESTEROLEMIA, FAMILIAL, DUE TO LIGAND-DEFECTIVE APOLIPOPROTEIN B; Familial hypercholesterolemia 2; APOB-Related Familial Hypercholesterolemia, Autosomal Dominant. Identifiers: MedGen C1704417, MONDO:0007751, OMIM 144010.

Allele frequency attached by ClinVar (database versions not stated): ExAC 0.00001; gnomAD exomes 0.00001 and 0.00002; TOPMed 0.00001; ESP Exome Variant Server 0.00008.
gnomAD v4.1: 29 of 1,614,170 alleles (0.0018%); highest among the groups gnomAD compares: Middle Eastern, 0.017%; no homozygotes.

Submissions (4):

CeGaT Center for Human Genetics Tuebingen
Classification: Likely benign. Last evaluated: 2025-10-01. Review status: criteria provided, single submitter. Criteria: CeGaT Center For Human Genetics Tuebingen Variant Classification Criteria Version 2. Collection method: clinical testing. Allele origin: germline. Affected: yes. Observed: 1 variant allele.
Comment: APOB: BP4, BP7

Labcorp Genetics (formerly Invitae), Labcorp
Classification: Likely benign for Familial hypobetalipoproteinemia 1; Hypercholesterolemia, autosomal dominant, type B. Last evaluated: 2024-08-21. Review status: criteria provided, single submitter. Criteria: Invitae Variant Classification Sherloc (09022015). Collection method: clinical testing. Allele origin: germline.

ARUP Laboratories, Molecular Genetics and Genomics, ARUP Laboratories
Classification: Likely benign. Last evaluated: 2022-05-06. Review status: criteria provided, single submitter. Criteria: ARUP Molecular Germline Variant Investigation Process 2021. Collection method: clinical testing. Allele origin: germline.

Ambry Genetics
Classification: Likely benign for Cardiovascular phenotype. Last evaluated: 2018-09-25. Review status: criteria provided, single submitter. Criteria: Ambry Variant Classification Scheme 2023. Collection method: clinical testing. Allele origin: germline.

NM_000384.3(APOB):c.3846T>C (p.Asp1282=)

Gene: APOB (apolipoprotein B; minus strand). Cytogenetic location: 2p24.1.
Variant type: single nucleotide variant.
Coding change: c.3846T>C on transcript NM_000384.3 (MANE Select); coding-DNA position 3846, T replaced by C.
Protein change: p.Asp1282=; no amino-acid change (aspartic acid 1282 retained).
Molecular consequence: synonymous variant.
Genome position (GRCh38, 1-based): chr2:21,013,530, A>G on the plus strand (T>C on the coding strand, the complement: APOB is on the minus strand). VCF-style: chr2-21013530-A-G. GRCh37 (hg19) VCF-style: chr2-21236402-A-G.
Identifiers: ClinVar variation 733076 (VCV000733076.22), dbSNP rs368284858, ClinGen allele CA060016.